The following is an entry in ClinVar:

ClinVar aggregate classification (germline): Pathogenic (1 of 4 stars; one submission).

Conditions:
Primary pulmonary hypertension. Also called: Idiopathic pulmonary hypertension. Identifiers: MedGen C0152171.

Submission:

Labcorp Genetics (formerly Invitae), Labcorp
Classification: Pathogenic for Primary pulmonary hypertension. Last evaluated: 2019-12-19. Review status: criteria provided, single submitter. Criteria: Invitae Variant Classification Sherloc (09022015). Collection method: clinical testing. Allele origin: germline.
Comment: Loss-of-function variants in BMPR2 are known to be pathogenic (PMID: 16429395). This variant has not been reported in the literature in individuals with BMPR2-related conditions. This variant is not present in population databases (ExAC no frequency). This sequence change creates a premature translational stop signal (p.Glu48Glyfs*3) in the BMPR2 gene. It is expected to result in an absent or disrupted protein product. For these reasons, this variant has been classified as Pathogenic.

Literature cited by the submitters: PubMed 16429395.

NM_001204.7(BMPR2):c.142dup (p.Glu48fs)

Gene: BMPR2 (bone morphogenetic protein receptor type 2; plus strand). Cytogenetic location: 2q33.1.
Variant type: Duplication.
Coding change: c.142dup on transcript NM_001204.7 (MANE Select); coding-DNA position 142, one base duplicated (G; older notation c.142dupG).
Protein change: p.Glu48fs; shifts the reading frame from glutamic acid 48.
Molecular consequence: frameshift variant.
Genome position (GRCh38, 1-based): chr2:202,464,874, G duplicated. VCF-style (leftmost placement, unchanged base first): chr2-202464873-T-TG. GRCh37 (hg19) VCF-style: chr2-203329596-T-TG.
Other names: short protein forms E48fs.
Identifiers: ClinVar variation 838701 (VCV000838701.8), dbSNP rs1692288591, ClinGen allele CA916082273.